The following is an entry in ClinVar:

NM_017780.4(CHD7):c.722A>G (p.Gln241Arg)

Gene: CHD7 (chromodomain helicase DNA binding protein 7; plus strand). Cytogenetic location: 8q12.2.
Variant type: single nucleotide variant.
Coding change: c.722A>G on transcript NM_017780.4 (MANE Select); coding-DNA position 722, A replaced by G.
Protein change: p.Gln241Arg; replaces glutamine 241 with arginine.
Molecular consequence: missense variant.
Genome position (GRCh38, 1-based): chr8:60,742,154, A>G. VCF-style: chr8-60742154-A-G. GRCh37 (hg19) VCF-style: chr8-61654713-A-G.
Other names: c.722A>G, p.Gln241Arg (NM_001316690.1); short protein forms Q241R.
Identifiers: ClinVar variation 1706913 (VCV001706913.4), dbSNP rs1411075980, ClinGen allele CA371299014.

ClinVar aggregate classification (germline): Conflicting classifications of pathogenicity. Review status: criteria provided, conflicting classifications (1 of 4 stars). 2 submissions from 2 submitters: Uncertain significance (1); Likely benign (1). Last evaluated 2024-06-17.

Conditions:
CHARGE syndrome (CHARGE). Also called: Coloboma, heart anomaly, choanal atresia, retardation, genital and ear anomalies; CHARGE association; Hall-Hittner syndrome; Hittner Hirsch Kreh syndrome; CHARGE ASSOCIATION--COLOBOMA, HEART ANOMALY, CHOANAL ATRESIA, RETARDATION, GENITAL AND EAR ANOMALIES. Identifiers: Orphanet 138, MedGen C0265354, MONDO:0008965.

Allele frequency attached by ClinVar (database versions not stated): gnomAD 0.00001; TOPMed 0.00001.
gnomAD v4.1: 2 of 1,613,868 alleles (0.00012%); highest among the groups gnomAD compares: Non-Finnish European, 0.000085%; no homozygotes.

Submissions (2):

Labcorp Genetics (formerly Invitae), Labcorp
Classification: Likely benign for CHARGE syndrome. Last evaluated: 2024-06-17. Review status: criteria provided, single submitter. Criteria: Invitae Variant Classification Sherloc (09022015). Collection method: clinical testing. Allele origin: germline.

GeneDx
Classification: Uncertain significance. Last evaluated: 2022-03-21. Review status: criteria provided, single submitter. Criteria: GeneDx Variant Classification Process June 2021. Collection method: clinical testing. Allele origin: germline. Affected: yes.
Comment: Not observed at significant frequency in large population cohorts (gnomAD); In silico analysis supports that this missense variant does not alter protein structure/function; Has not been previously published as pathogenic or benign to our knowledge